The following is an entry in ClinVar:

NM_206933.4(USH2A):c.1479C>A (p.Tyr493Ter)

Gene: USH2A (usherin; minus strand). Cytogenetic location: 1q41.
Variant type: single nucleotide variant.
Coding change: c.1479C>A on transcript NM_206933.4 (MANE Select); coding-DNA position 1479, C replaced by A.
Protein change: p.Tyr493Ter; replaces tyrosine 493 with a stop codon.
Molecular consequence: nonsense.
Genome position (GRCh38, 1-based): chr1:216,323,545, G>T on the plus strand (C>A on the coding strand, the complement: USH2A is on the minus strand). VCF-style: chr1-216323545-G-T. GRCh37 (hg19) VCF-style: chr1-216496887-G-T.
Other names: c.1479C>A, p.Tyr493Ter (NM_007123.6); short protein forms Y493*.
Identifiers: ClinVar variation 2710996 (VCV002710996.3), dbSNP rs2527433742, ClinGen allele CA344909774.

ClinVar aggregate classification (germline): Pathogenic (1 of 4 stars; one submission).

Submission:

Labcorp Genetics (formerly Invitae), Labcorp
Classification: Pathogenic. Last evaluated: 2024-01-24. Review status: criteria provided, single submitter. Criteria: Invitae Variant Classification Sherloc (09022015). Collection method: clinical testing. Allele origin: germline.
Comment: This sequence change creates a premature translational stop signal (p.Tyr493*) in the USH2A gene. It is expected to result in an absent or disrupted protein product. Loss-of-function variants in USH2A are known to be pathogenic (PMID: 10729113, 10909849, 20507924, 25649381). This variant is not present in population databases (gnomAD no frequency). This variant has not been reported in the literature in individuals affected with USH2A-related conditions. Algorithms developed to predict the effect of sequence changes on RNA splicing suggest that this variant may disrupt the consensus splice site. For these reasons, this variant has been classified as Pathogenic.

Literature cited by the submitters: PubMed 10729113; PubMed 10909849; PubMed 20507924; PubMed 25649381.